The following is an entry in ClinVar:

ClinVar aggregate classification (germline): Uncertain significance. Review status: criteria provided, multiple submitters, no conflicts (2 of 4 stars). 4 submissions from 4 submitters: Uncertain significance (4). Last evaluated 2025-03-18.

Conditions:
Ehlers-Danlos syndrome, type 4 (EDSVASC). Also called: Ehlers-Danlos syndrome vascular type; Ehlers Danlos syndrome, ecchymotic type; Ehlers Danlos syndrome, arterial type; Ehlers Danlos syndrome, Sack-Barabas type; Ehlers-Danlos Syndrome Type IV. Identifiers: Orphanet 286, MedGen C0268338, MONDO:0017314, OMIM 130050.
Familial thoracic aortic aneurysm and aortic dissection (TAAD). Also called: Thoracic aortic aneurysms and dissections. Identifiers: Orphanet 91387, MedGen C4707243, MONDO:0019625.

Allele frequency attached by ClinVar (database versions not stated): gnomAD exomes below 0.00001; TOPMed below 0.00001.
gnomAD v4.1: 8 of 1,614,054 alleles (0.0005%); highest among the groups gnomAD compares: South Asian, 0.0022%; no homozygotes.

Submissions (4):

Labcorp Genetics (formerly Invitae), Labcorp
Classification: Uncertain significance for Ehlers-Danlos syndrome, type 4. Last evaluated: 2025-03-18. Review status: criteria provided, single submitter. Criteria: Invitae Variant Classification Sherloc (09022015). Collection method: clinical testing. Allele origin: germline.
Comment: This sequence change replaces arginine, which is basic and polar, with glutamine, which is neutral and polar, at codon 1363 of the COL3A1 protein (p.Arg1363Gln). The frequency data for this variant in the population databases is considered unreliable, as metrics indicate poor data quality at this position in the gnomAD database. This variant has not been reported in the literature in individuals affected with COL3A1-related conditions. ClinVar contains an entry for this variant (Variation ID: 927926). Invitae Evidence Modeling of protein sequence and biophysical properties (such as structural, functional, and spatial information, amino acid conservation, physicochemical variation, residue mobility, and thermodynamic stability) indicates that this missense variant is not expected to disrupt COL3A1 protein function with a negative predictive value of 95%. In summary, the available evidence is currently insufficient to determine the role of this variant in disease. Therefore, it has been classified as a Variant of Uncertain Significance.

All of Us Research Program, National Institutes of Health
Classification: Uncertain significance for Ehlers-Danlos syndrome, type 4. Last evaluated: 2024-04-25. Review status: criteria provided, single submitter. Criteria: ACMG Guidelines, 2015. Collection method: clinical testing. Allele origin: germline. Inheritance: Autosomal dominant inheritance. Observed: 2 variant alleles, 2 heterozygotes.
Comment: This missense variant replaces arginine with glutamine at codon 1363 of the COL3A1 protein. Computational prediction suggests that this variant may not impact protein structure and function (internally defined REVEL score threshold <= 0.5, PMID: 27666373). Splice site prediction tools suggest that this variant may not impact RNA splicing. To our knowledge, functional studies have not been performed for this variant. This variant has not been reported in individuals affected with cardiovascular disorders in the literature. This variant has been identified in 1/251148 chromosomes in the general population by the Genome Aggregation Database (gnomAD). The available evidence is insufficient to determine the role of this variant in disease conclusively. Therefore, this variant is classified as a Variant of Uncertain Significance.

This study involves interpretation of variants in research participants for the purpose of population health screening. Participant phenotype was not available at the time of variant classification. Additional details can be found in publication PMID: 35346344, PMCID: PMC8962531

Color Diagnostics, LLC DBA Color Health
Classification: Uncertain significance for Familial thoracic aortic aneurysm and aortic dissection. Last evaluated: 2024-03-06. Review status: criteria provided, single submitter. Criteria: ACMG Guidelines, 2015. Collection method: clinical testing. Allele origin: germline.
Comment: This missense variant replaces arginine with glutamine at codon 1363 of the COL3A1 protein. Computational prediction suggests that this variant may not impact protein structure and function (internally defined REVEL score threshold <= 0.5, PMID: 27666373). Splice site prediction tools suggest that this variant may not impact RNA splicing. To our knowledge, functional studies have not been performed for this variant. This variant has not been reported in individuals affected with cardiovascular disorders in the literature. This variant has been identified in 1/251148 chromosomes in the general population by the Genome Aggregation Database (gnomAD). The available evidence is insufficient to determine the role of this variant in disease conclusively. Therefore, this variant is classified as a Variant of Uncertain Significance.

GeneDx
Classification: Uncertain significance. Last evaluated: 2021-12-16. Review status: criteria provided, single submitter. Criteria: GeneDx Variant Classification Process June 2021. Collection method: clinical testing. Allele origin: germline. Affected: yes.
Comment: Has not been previously published in association with COL3A1-related disorders to our knowledge; Not observed at significant frequency in large population cohorts (Lek et al., 2016); In silico analysis supports that this missense variant does not alter protein structure/function; Not located in the triple helical region, where the majority of pathogenic missense variants occur (Stenson et al., 2014); Reported in ClinVar as a variant of uncertain significance (ClinVar Variant ID# 927926; Landrum et al., 2016); This variant is associated with the following publications: (PMID: 34382383)

NM_000090.4(COL3A1):c.4088G>A (p.Arg1363Gln)

Gene: COL3A1 (collagen type III alpha 1 chain; plus strand). Cytogenetic location: 2q32.2.
Variant type: single nucleotide variant.
Coding change: c.4088G>A on transcript NM_000090.4 (MANE Select); coding-DNA position 4088, G replaced by A.
Protein change: p.Arg1363Gln; replaces arginine 1363 with glutamine.
Molecular consequence: missense variant.
Genome position (GRCh38, 1-based): chr2:189,010,724, G>A. VCF-style: chr2-189010724-G-A. GRCh37 (hg19) VCF-style: chr2-189875450-G-A.
Other names: short protein forms R1363Q.
Identifiers: ClinVar variation 927926 (VCV000927926.13), dbSNP rs1227282800, ClinGen allele CA349849357.